The following is an entry in ClinVar:

NM_000027.4(AGA):c.874A>G (p.Arg292Gly)

Gene: AGA (aspartylglucosaminidase; minus strand). Cytogenetic location: 4q34.3.
Variant type: single nucleotide variant.
Coding change: c.874A>G on transcript NM_000027.4 (MANE Select); coding-DNA position 874, A replaced by G.
Protein change: p.Arg292Gly; replaces arginine 292 with glycine.
Molecular consequence: missense variant. On other transcripts: non-coding transcript variant (1).
Genome position (GRCh38, 1-based): chr4:177,433,280, T>C on the plus strand (A>G on the coding strand, the complement: AGA is on the minus strand). VCF-style: chr4-177433280-T-C. GRCh37 (hg19) VCF-style: chr4-178354434-T-C.
Other names: c.844A>G, p.Arg282Gly (NM_001171988.2); short protein forms R282G, R292G.
Identifiers: ClinVar variation 1990965 (VCV001990965.1), dbSNP rs764956911, ClinGen allele CA3146768.

ClinVar aggregate classification (germline): Uncertain significance (1 of 4 stars; one submission).

Conditions:
Aspartylglucosaminuria (AGU). Also called: Aspartylglucos-aminuria; Aspartylglucos-amidase (AGA) deficiency; AGA DEFICIENCY; GLYCOASPARAGINASE; GLYCOSYLASPARAGINASE DEFICIENCY. Identifiers: Orphanet 93, MedGen C0268225, MONDO:0008830, OMIM 208400, HP:0012068.

Allele frequency attached by ClinVar (database versions not stated): gnomAD 0.00001; gnomAD exomes 0.00001; ExAC 0.00002.
gnomAD v4.1: 22 of 1,614,020 alleles (0.0014%); highest among the groups gnomAD compares: Non-Finnish European, 0.0019%; no homozygotes.

Submission:

Labcorp Genetics (formerly Invitae), Labcorp
Classification: Uncertain significance for Aspartylglucosaminuria. Last evaluated: 2022-09-17. Review status: criteria provided, single submitter. Criteria: Invitae Variant Classification Sherloc (09022015). Collection method: clinical testing. Allele origin: germline.
Comment: This sequence change replaces arginine, which is basic and polar, with glycine, which is neutral and non-polar, at codon 292 of the AGA protein (p.Arg292Gly). This variant is present in population databases (rs764956911, gnomAD 0.002%). This variant has not been reported in the literature in individuals affected with AGA-related conditions. Advanced modeling of protein sequence and biophysical properties (such as structural, functional, and spatial information, amino acid conservation, physicochemical variation, residue mobility, and thermodynamic stability) performed at Invitae indicates that this missense variant is not expected to disrupt AGA protein function. In summary, the available evidence is currently insufficient to determine the role of this variant in disease. Therefore, it has been classified as a Variant of Uncertain Significance.